The following is an entry in ClinVar:

ClinVar aggregate classification (germline): Uncertain significance (1 of 4 stars; one submission).

Conditions:
Lymphatic malformation 6 (LMPHM6). Also called: GENERALIZED LYMPHATIC DYSPLASIA OF FOTIOU; Lymphedema, hereditary, III; PIEZO1-related generalized lymphatic dysplasia with non-immune hydrops fetalis. Identifiers: Orphanet 568062, MedGen C4225184, MONDO:0014797, OMIM 616843.

Allele frequency attached by ClinVar (database versions not stated): TOPMed 0.00001.

Submission:

Clinical Genomics Laboratory, Washington University in St. Louis
Classification: Uncertain significance for Lymphatic malformation 6. Last evaluated: 2024-03-01. Review status: criteria provided, single submitter. Criteria: ACMG Guidelines, 2015. Collection method: clinical testing. Allele origin: germline.
Comment: The PIEZO1 c.4428G>C (p.Gln1476His) variant is identified at a near heterozygous allele fraction of 48%, a frequency which may be consistent with it being of germline origin. This variant, to our knowledge, has not been reported in the medical literature. The variant is absent from the general population (gnomAD v4.0.0), indicating it is not a common variant. Computational predictors suggest that the variant does not impact PIEZO1 function. Due to limited information, and based on ACMG/AMP guidelines for variant interpretation (Richards S et al., PMID: 25741868), the clinical significance of the PIEZO1 c.4428G>C (p.Gln1476His) variant is uncertain at this time.

NM_001142864.4(PIEZO1):c.4428G>C (p.Gln1476His)

Gene: PIEZO1 (piezo type mechanosensitive ion channel component 1 (Er blood group); minus strand). Cytogenetic location: 16q24.3.
Variant type: single nucleotide variant.
Coding change: c.4428G>C on transcript NM_001142864.4 (MANE Select); coding-DNA position 4428, G replaced by C.
Protein change: p.Gln1476His; replaces glutamine 1476 with histidine.
Molecular consequence: missense variant.
Genome position (GRCh38, 1-based): chr16:88,723,236, C>G on the plus strand (G>C on the coding strand, the complement: PIEZO1 is on the minus strand). VCF-style: chr16-88723236-C-G. GRCh37 (hg19) VCF-style: chr16-88789644-C-G.
Other names: c.2970G>C, p.Gln990His (NM_014745.1); short protein forms Q1476H, Q990H.
Identifiers: ClinVar variation 3237438 (VCV003237438.1), dbSNP rs368091089.
Genomic context (GRCh38, chr16:88,723,236, plus strand): 5'-ACTGGCAGTCCCGCGGCTTCCCCTCAGAGTCCCCACGCCCCCCAGCTCACCTGTGGGTAG[C>G]TGTCCTGCCTGTTCCTGCCTTGCCTGCTCCTGCTCCTGCTGCCGCCGCCTCAGCACCGCC-3'
Protein context (NP_001136336.2, residues 1466-1486): QEQARQEQAG[Gln1476His]LPTGGGPSQE